The following is an entry in ClinVar:

NM_006361.6(HOXB13):c.188G>A (p.Cys63Tyr)

Gene: HOXB13 (homeobox B13; minus strand). Cytogenetic location: 17q21.32.
Variant type: single nucleotide variant.
Coding change: c.188G>A on transcript NM_006361.6 (MANE Select); coding-DNA position 188, G replaced by A.
Protein change: p.Cys63Tyr; replaces cysteine 63 with tyrosine.
Molecular consequence: missense variant.
Genome position (GRCh38, 1-based): chr17:48,728,406, C>T on the plus strand (G>A on the coding strand, the complement: HOXB13 is on the minus strand). VCF-style: chr17-48728406-C-T. GRCh37 (hg19) VCF-style: chr17-46805768-C-T.
Other names: short protein forms C63Y.
Identifiers: ClinVar variation 820276 (VCV000820276.14), dbSNP rs199813155, ClinGen allele CA8634048.

ClinVar aggregate classification (germline): Uncertain significance. Review status: criteria provided, multiple submitters, no conflicts (2 of 4 stars). 5 submissions from 5 submitters: Uncertain significance (3). 2 of the submissions do not count toward it. Last evaluated 2026-02-03.

Conditions:
Hereditary cancer-predisposing syndrome. Also called: Neoplastic Syndromes, Hereditary; Tumor predisposition; Hereditary Cancer Syndrome; Hereditary neoplastic syndrome. Identifiers: Orphanet 140162, MedGen C0027672, MeSH D009386, MONDO:0015356.

Allele frequency attached by ClinVar (database versions not stated): gnomAD 0.00001; TOPMed 0.00001; gnomAD exomes 0.00004 and 0.00006; ExAC 0.00009.
gnomAD v4.1: 54 of 1,613,548 alleles (0.0033%); highest among the groups gnomAD compares: Non-Finnish European, 0.0036%; no homozygotes.

Submissions (5):

Labcorp Genetics (formerly Invitae), Labcorp
Classification: Uncertain significance. Last evaluated: 2026-02-03. Review status: criteria provided, single submitter. Criteria: Invitae Variant Classification Sherloc (09022015). Collection method: clinical testing. Allele origin: germline.
Comment: This sequence change replaces cysteine, which is neutral and slightly polar, with tyrosine, which is neutral and polar, at codon 63 of the HOXB13 protein (p.Cys63Tyr). This variant is present in population databases (rs199813155, gnomAD 0.01%). This variant has not been reported in the literature in individuals affected with HOXB13-related conditions. ClinVar contains an entry for this variant (Variation ID: 820276). Invitae Evidence Modeling of protein sequence and biophysical properties (such as structural, functional, and spatial information, amino acid conservation, physicochemical variation, residue mobility, and thermodynamic stability) indicates that this missense variant is not expected to disrupt HOXB13 protein function with a negative predictive value of 80%. In summary, the available evidence is currently insufficient to determine the role of this variant in disease. Therefore, it has been classified as a Variant of Uncertain Significance.

Ambry Genetics
Classification: Uncertain significance for Hereditary cancer-predisposing syndrome. Last evaluated: 2025-10-22. Review status: criteria provided, single submitter. Criteria: Ambry Variant Classification Scheme 2023. Collection method: clinical testing. Allele origin: germline.
Comment: The p.C63Y variant (also known as c.188G>A), located in coding exon 1 of the HOXB13 gene, results from a G to A substitution at nucleotide position 188. The cysteine at codon 63 is replaced by tyrosine, an amino acid with highly dissimilar properties. Structural analysis demonstrates that the total energy of this variant is considerably higher compared to the native structure (-596.328 KJ/mol), implying a possible underlying damaging effect on protein structure, potentially affecting protein stability and function (Chandrasekaran G et al. Sci Rep. 2017 Mar;7:43830). This amino acid position is highly conserved in available vertebrate species. In addition, the in silico prediction for this alteration is inconclusive. Since supporting evidence is limited at this time, the clinical significance of this alteration remains unclear.

GeneDx
Classification: Uncertain significance. Last evaluated: 2023-09-21. Review status: criteria provided, single submitter. Criteria: GeneDx Variant Classification Process June 2021. Collection method: clinical testing. Allele origin: germline. Affected: yes.
Comment: In silico analysis supports that this missense variant has a deleterious effect on protein structure/function; Has not been previously published as pathogenic or benign to our knowledge; This variant is associated with the following publications: (PMID: 28272408)

Diagnostic Laboratory, Department of Genetics, University Medical Center Groningen
Classification: Uncertain significance. Review status: no assertion criteria provided. Collection method: clinical testing. Allele origin: germline. Affected: yes. Study: VKGL Data-share Consensus. Not counted in ClinVar's aggregate classification.

Laboratory of Diagnostic Genome Analysis, Leiden University Medical Center (LUMC)
Classification: Uncertain significance. Review status: no assertion criteria provided. Collection method: clinical testing. Allele origin: germline. Affected: yes. Study: VKGL Data-share Consensus. Not counted in ClinVar's aggregate classification.

Literature cited by the submitters: PubMed 28272408 (cited by Ambry Genetics).